The following is an entry in ClinVar:

ClinVar aggregate classification (germline): Likely benign. Review status: criteria provided, multiple submitters, no conflicts (2 of 4 stars). 2 submissions from 2 submitters: Likely benign (2). Last evaluated 2025-07-23.

Conditions:
THBD-related disorder. Also called: THBD-related condition.

Allele frequency attached by ClinVar (database versions not stated): TOPMed below 0.00001; gnomAD exomes 0.00001; gnomAD 0.00003.
gnomAD v4.1: 8 of 1,612,954 alleles (0.0005%); highest among the groups gnomAD compares: Admixed American, 0.0017%; no homozygotes.

Submissions (2):

PreventionGenetics, part of Exact Sciences
Classification: Likely benign for THBD-related condition. Last evaluated: 2025-07-23. Review status: criteria provided, single submitter. Criteria: ACMG Guidelines, 2015. Collection method: clinical testing. Allele origin: germline.
Comment: This variant is classified as likely benign based on ACMG/AMP sequence variant interpretation guidelines (Richards et al. 2015 PMID: 25741868, with internal and published modifications).

Labcorp Genetics (formerly Invitae), Labcorp
Classification: Likely benign. Last evaluated: 2025-03-29. Review status: criteria provided, single submitter. Criteria: Invitae Variant Classification Sherloc (09022015). Collection method: clinical testing. Allele origin: germline.

NM_000361.3(THBD):c.1041C>T (p.Phe347=)

Gene: THBD (thrombomodulin; minus strand). Cytogenetic location: 20p11.21.
Variant type: single nucleotide variant.
Coding change: c.1041C>T on transcript NM_000361.3 (MANE Select); coding-DNA position 1041, C replaced by T.
Protein change: p.Phe347=; no amino-acid change (phenylalanine 347 retained).
Molecular consequence: synonymous variant.
Genome position (GRCh38, 1-based): chr20:23,048,464, G>A on the plus strand (C>T on the coding strand, the complement: THBD is on the minus strand). VCF-style: chr20-23048464-G-A. GRCh37 (hg19) VCF-style: chr20-23029101-G-A.
Identifiers: ClinVar variation 1939277 (VCV001939277.6), dbSNP rs1367891985, ClinGen allele CA510160418.